The following is an entry in ClinVar:

ClinVar aggregate classification (germline): Uncertain significance. Review status: criteria provided, multiple submitters, no conflicts (2 of 4 stars). 5 submissions from 5 submitters: Uncertain significance (5). Last evaluated 2024-03-13.

Conditions:
Inborn genetic diseases. Identifiers: MedGen C0950123, MeSH D030342.
Neutral 1 amino acid transport defect (HND). Also called: Hartnup disease; HARTNUP DISORDER. Identifiers: Orphanet 2116, MedGen C0018609, MONDO:0009324, OMIM 234500.

Allele frequency attached by ClinVar (database versions not stated): gnomAD exomes 0.00010 and 0.00014; ExAC 0.00012; TOPMed 0.00013; gnomAD 0.00015 and 0.00016; 1000 Genomes Project 30x 0.00016; ESP Exome Variant Server 0.00031.
gnomAD v4.1: 236 of 1,613,368 alleles (0.015%); highest among the groups gnomAD compares: Middle Eastern, 0.05%; no homozygotes.

Submissions (5):

Fulgent Genetics
Classification: Uncertain significance for Neutral 1 amino acid transport defect. Last evaluated: 2024-03-13. Review status: criteria provided, single submitter. Criteria: ACMG Guidelines, 2015. Collection method: clinical testing. Allele origin: germline.

Labcorp Genetics (formerly Invitae), Labcorp
Classification: Uncertain significance. Last evaluated: 2022-08-06. Review status: criteria provided, single submitter. Criteria: Invitae Variant Classification Sherloc (09022015). Collection method: clinical testing. Allele origin: germline.
Comment: This sequence change replaces valine, which is neutral and non-polar, with methionine, which is neutral and non-polar, at codon 393 of the SLC6A19 protein (p.Val393Met). This variant is present in population databases (rs146143094, gnomAD 0.02%). This variant has not been reported in the literature in individuals affected with SLC6A19-related conditions. ClinVar contains an entry for this variant (Variation ID: 1500121). Advanced modeling of protein sequence and biophysical properties (such as structural, functional, and spatial information, amino acid conservation, physicochemical variation, residue mobility, and thermodynamic stability) performed at Invitae indicates that this missense variant is not expected to disrupt SLC6A19 protein function. In summary, the available evidence is currently insufficient to determine the role of this variant in disease. Therefore, it has been classified as a Variant of Uncertain Significance.

GeneDx
Classification: Uncertain significance. Last evaluated: 2022-05-05. Review status: criteria provided, single submitter. Criteria: GeneDx Variant Classification Process June 2021. Collection method: clinical testing. Allele origin: germline. Affected: yes.
Comment: In silico analysis supports that this missense variant does not alter protein structure/function; Has not been previously published as pathogenic or benign to our knowledge

Ambry Genetics
Classification: Uncertain significance for Inborn genetic diseases. Last evaluated: 2021-07-14. Review status: criteria provided, single submitter. Criteria: Ambry Variant Classification Scheme 2023. Collection method: clinical testing. Allele origin: germline.

Breakthrough Genomics
Classification: Uncertain significance. Review status: criteria provided, single submitter. Criteria: ACMG Guidelines, 2015. Collection method: not provided. Allele origin: germline. Inheritance: Autosomal recessive inheritance. Affected: yes.

NM_001003841.3(SLC6A19):c.1177G>A (p.Val393Met)

Gene: SLC6A19 (solute carrier family 6 member 19; plus strand). Cytogenetic location: 5p15.33.
Variant type: single nucleotide variant.
Coding change: c.1177G>A on transcript NM_001003841.3 (MANE Select); coding-DNA position 1177, G replaced by A.
Protein change: p.Val393Met; replaces valine 393 with methionine.
Molecular consequence: missense variant.
Genome position (GRCh38, 1-based): chr5:1,218,906, G>A. VCF-style: chr5-1218906-G-A. GRCh37 (hg19) VCF-style: chr5-1219021-G-A.
Other names: short protein forms V393M.
Identifiers: ClinVar variation 1500121 (VCV001500121.8), dbSNP rs146143094, ClinGen allele CA3183093.
Genomic context (GRCh38, chr5:1,218,906, plus strand): 5'-GAGGAGACGGAGCCCACGGAGGGCAGAGGCCCTGGTGACTGTGTGTCATCCGTGCAGGCC[G>A]TGGAGGGCACAGGCCTGGCCTTCATCGTCTTCACCGAGGCCATCACCAAGATGCCGTTGT-3'
Protein context (NP_001003841.1, residues 383-403): CDINAFLSEA[Val393Met]EGTGLAFIVF